The following is an entry in ClinVar:

ClinVar aggregate classification (germline): Likely benign (1 of 4 stars; one submission).

Conditions:
Oculotrichoanal syndrome (MOTA). Also called: MARLES SYNDROME; Manitoba Oculotrichoanal (MOTA) Syndrome. Identifiers: Orphanet 2717, MedGen C1855425, MONDO:0009560, OMIM 248450.

Allele frequency attached by ClinVar (database versions not stated): gnomAD 0.00016 and below 0.00001; 1000 Genomes Project 0.00060; TOPMed 0.00001; 1000 Genomes Project 30x 0.00109.

Submission:

Illumina Laboratory Services, Illumina
Classification: Likely benign for Oculotrichoanal syndrome. Last evaluated: 2018-01-13. Review status: criteria provided, single submitter. Criteria: ICSL Variant Classification Criteria 13 December 2019. Collection method: clinical testing. Allele origin: germline.
Comment: This variant was observed in the ICSL laboratory as part of a predisposition screen in an ostensibly healthy population. It had not been previously curated by ICSL or reported in the Human Gene Mutation Database (HGMD: prior to June 1st, 2018), and was therefore a candidate for classification through an automated scoring system. Utilizing variant allele frequency, disease prevalence and penetrance estimates, and inheritance mode, an automated score was calculated to assess if this variant is too frequent to cause the disease. Based on the score and internal cut-off values, a variant classified as likely benign is not then subjected to further curation. The score for this variant resulted in a classification of likely benign for this disease.

NM_144966.5(FREM1):c.*530T>C

Gene: FREM1 (FRAS1 related extracellular matrix 1; minus strand). Cytogenetic location: 9p22.3.
Variant type: single nucleotide variant.
Coding change: c.*530T>C on transcript NM_144966.5; 530 bases downstream of the stop codon, T replaced by C.
Genome position (GRCh38, 1-based): chr9:14,736,866, A>G on the plus strand (T>C on the coding strand, the complement: FREM1 is on the minus strand). VCF-style: chr9-14736866-A-G. GRCh37 (hg19) VCF-style: chr9-14736864-A-G.
Identifiers: ClinVar variation 366088 (VCV000366088.7), dbSNP rs570855729, ClinGen allele CA10629721.